The following is an entry in ClinVar:

NM_001845.6(COL4A1):c.4974C>T (p.His1658=)

Gene: COL4A1 (collagen type IV alpha 1 chain; minus strand). Cytogenetic location: 13q34.
Variant type: single nucleotide variant.
Coding change: c.4974C>T on transcript NM_001845.6 (MANE Select); coding-DNA position 4974, C replaced by T.
Protein change: p.His1658=; no amino-acid change (histidine 1658 retained).
Molecular consequence: synonymous variant.
Genome position (GRCh38, 1-based): chr13:110,150,399, G>A on the plus strand (C>T on the coding strand, the complement: COL4A1 is on the minus strand). VCF-style: chr13-110150399-G-A. GRCh37 (hg19) VCF-style: chr13-110802746-G-A.
Other names: c.4974C>T (NM_001845.5).
Identifiers: ClinVar variation 2111854 (VCV002111854.6), dbSNP rs777915061, ClinGen allele CA7046738.

ClinVar aggregate classification (germline): Likely benign. Review status: criteria provided, single submitter (1 of 4 stars). 2 submissions from 2 submitters: Likely benign (1). 1 of the submissions does not count toward it. Last evaluated 2024-11-29.

Conditions:
COL4A1-related disorder. Also called: COL4A1-related condition; COL4A1-related disorders. Identifiers: MedGen CN376119, MONDO:0800461.

Allele frequency attached by ClinVar (database versions not stated): gnomAD 0.00001; gnomAD exomes 0.00001; ExAC 0.00002.
gnomAD v4.1: 21 of 1,613,886 alleles (0.0013%); highest among the groups gnomAD compares: Non-Finnish European, 0.0015%; no homozygotes.

Submissions (2):

Labcorp Genetics (formerly Invitae), Labcorp
Classification: Likely benign. Last evaluated: 2024-11-29. Review status: criteria provided, single submitter. Criteria: Invitae Variant Classification Sherloc (09022015). Collection method: clinical testing. Allele origin: germline.

PreventionGenetics, part of Exact Sciences
Classification: Likely benign for COL4A1-related condition. Last evaluated: 2021-09-30. Review status: no assertion criteria provided. Collection method: clinical testing. Allele origin: germline. Not counted in ClinVar's aggregate classification.
Comment: This variant is classified as likely benign based on ACMG/AMP sequence variant interpretation guidelines (Richards et al. 2015 PMID: 25741868, with internal and published modifications).